The following is an entry in ClinVar:

NM_002905.5(RDH5):c.186C>G (p.Pro62=)

Genes: BLOC1S1-RDH5 (BLOC1S1-RDH5 readthrough; plus strand), RDH5 (retinol dehydrogenase 5; plus strand). Cytogenetic location: 12q13.2.
Variant type: single nucleotide variant.
Coding change: c.186C>G on transcript NM_002905.5 (MANE Select); coding-DNA position 186, C replaced by G.
Protein change: p.Pro62=; no amino-acid change (proline 62 retained).
Molecular consequence: synonymous variant.
Genome position (GRCh38, 1-based): chr12:55,721,370, C>G. VCF-style: chr12-55721370-C-G. GRCh37 (hg19) VCF-style: chr12-56115154-C-G.
Other names: c.186C>G, p.Pro62= (NM_001199771.3); c.186C>G (NM_002905.3).
Identifiers: ClinVar variation 1536921 (VCV001536921.9), dbSNP rs773514584, ClinGen allele CA6616761.
Genomic context (GRCh38, chr12:55,721,370, plus strand): 5'-CCTTCTGGCACTGCAGCTGGACCAGAGAGGCTTCCGAGTCCTGGCCAGCTGCCTGACCCC[C>G]TCCGGGGCCGAGGACCTGCAGCGGGTGGCCTCCTCCCGCCTCCACACCACCCTGTTGGAT-3'
Protein context (NP_002896.2, residues 52-72): GFRVLASCLT[Pro62=]SGAEDLQRVA

ClinVar aggregate classification (germline): Likely benign. Review status: criteria provided, multiple submitters, no conflicts (2 of 4 stars). 2 submissions from 2 submitters: Likely benign (2). Last evaluated 2026-01-27.

Conditions:
RDH5-related disorder. Also called: RDH5-related condition.

Allele frequency attached by ClinVar (database versions not stated): gnomAD 0.00001.
gnomAD v4.1: 1 of 1,613,866 alleles (0.000062%); highest among the groups gnomAD compares: East Asian, 0.0022%; no homozygotes.

Submissions (2):

PreventionGenetics, part of Exact Sciences
Classification: Likely benign for RDH5-related condition. Last evaluated: 2026-01-27. Review status: criteria provided, single submitter. Criteria: ACMG Guidelines, 2015. Collection method: clinical testing. Allele origin: germline.
Comment: This variant is classified as likely benign based on ACMG/AMP sequence variant interpretation guidelines (Richards et al. 2015 PMID: 25741868, with internal and published modifications).

Labcorp Genetics (formerly Invitae), Labcorp
Classification: Likely benign. Last evaluated: 2025-07-27. Review status: criteria provided, single submitter. Criteria: Invitae Variant Classification Sherloc (09022015). Collection method: clinical testing. Allele origin: germline.